The following is an entry in ClinVar:

ClinVar aggregate classification (germline): Benign/Likely benign. Review status: criteria provided, multiple submitters, no conflicts (2 of 4 stars). 5 submissions from 5 submitters: Benign (1); Likely benign (1). 3 of the submissions do not count toward it. Last evaluated 2025-05-23.

Conditions:
SHROOM4-related disorder. Also called: SHROOM4-related condition.

Allele frequency attached by ClinVar (database versions not stated): gnomAD exomes 0.00159 and 0.00466; ExAC 0.00222; 1000 Genomes Project 30x 0.00229; gnomAD 0.00603 and 0.00605.

Submissions (5):

PreventionGenetics, part of Exact Sciences
Classification: Benign for SHROOM4-related condition. Last evaluated: 2025-05-23. Review status: criteria provided, single submitter. Criteria: ACMG Guidelines, 2015. Collection method: clinical testing. Allele origin: germline.
Comment: This variant is classified as benign based on ACMG/AMP sequence variant interpretation guidelines (Richards et al. 2015 PMID: 25741868, with internal and published modifications).

Blueprint Genetics
Classification: Likely benign. Last evaluated: 2024-11-28. Review status: criteria provided, single submitter. Criteria: ACMG Guidelines, 2015. Collection method: clinical testing. Allele origin: germline.

Clinical Genetics DNA and cytogenetics Diagnostics Lab, Erasmus MC, Erasmus Medical Center
Classification: Benign. Review status: no assertion criteria provided. Collection method: clinical testing. Allele origin: germline. Affected: yes. Study: VKGL Data-share Consensus. Not counted in ClinVar's aggregate classification.

Joint Genome Diagnostic Labs from Nijmegen and Maastricht, Radboudumc and MUMC+
Classification: Likely benign. Review status: no assertion criteria provided. Collection method: clinical testing. Allele origin: germline. Affected: yes. Study: VKGL Data-share Consensus. Not counted in ClinVar's aggregate classification.

Laboratory of Diagnostic Genome Analysis, Leiden University Medical Center (LUMC)
Classification: Likely benign. Review status: no assertion criteria provided. Collection method: clinical testing. Allele origin: germline. Affected: yes. Study: VKGL Data-share Consensus. Not counted in ClinVar's aggregate classification.

NM_020717.5(SHROOM4):c.3415dup (p.Glu1139fs)

Gene: SHROOM4 (shroom family member 4; minus strand). Cytogenetic location: Xp11.22.
Variant type: Duplication.
Coding change: c.3415dup on transcript NM_020717.5 (MANE Select); coding-DNA position 3415, one base duplicated (G; older notation c.3415dupG).
Protein change: p.Glu1139fs; shifts the reading frame from glutamic acid 1139.
Molecular consequence: frameshift variant. On other transcripts: non-coding transcript variant (4).
Genome position (GRCh38, 1-based): chrX:50,607,727, C duplicated on the plus strand (G on the coding strand, the reverse complement: SHROOM4 is on the minus strand). VCF-style (leftmost placement, unchanged base first): chrX-50607726-T-TC. GRCh37 (hg19) VCF-style: chrX-50350726-T-TC.
Other names: c.3415dupG (NM_020717.3); short protein forms E1139fs.
Identifiers: ClinVar variation 130306 (VCV000130306.6), dbSNP rs587780460, ClinGen allele CA10415971.